The following is an entry in ClinVar:

ClinVar aggregate classification (germline): Uncertain significance (1 of 4 stars; one submission).

Conditions:
Congenital insensitivity to pain-hypohidrosis syndrome. Also called: Neuropathy, hereditary sensory and autonomic, type VIII; HSAN VIII. Identifiers: Orphanet 478664, MedGen C4225308, MONDO:0014662, OMIM 616488.

Submission:

Labcorp Genetics (formerly Invitae), Labcorp
Classification: Uncertain significance for Congenital insensitivity to pain-hypohidrosis syndrome. Last evaluated: 2021-08-06. Review status: criteria provided, single submitter. Criteria: Invitae Variant Classification Sherloc (09022015). Collection method: clinical testing. Allele origin: germline.
Comment: This sequence change replaces glutamic acid with glycine at codon 172 of the PRDM12 protein (p.Glu172Gly). The glutamic acid residue is highly conserved and there is a moderate physicochemical difference between glutamic acid and glycine. This variant is not present in population databases (ExAC no frequency). This variant has not been reported in the literature in individuals with PRDM12-related conditions. Algorithms developed to predict the effect of missense changes on protein structure and function are either unavailable or do not agree on the potential impact of this missense change (SIFT: "Deleterious"; PolyPhen-2: "Probably Damaging"; Align-GVGD: "Class C0"). In summary, the available evidence is currently insufficient to determine the role of this variant in disease. Therefore, it has been classified as a Variant of Uncertain Significance.

NM_021619.3(PRDM12):c.515A>G (p.Glu172Gly)

Gene: PRDM12 (PR/SET domain 12; plus strand). Cytogenetic location: 9q34.12.
Variant type: single nucleotide variant.
Coding change: c.515A>G on transcript NM_021619.3 (MANE Select); coding-DNA position 515, A replaced by G.
Protein change: p.Glu172Gly; replaces glutamic acid 172 with glycine.
Molecular consequence: missense variant.
Genome position (GRCh38, 1-based): chr9:130,668,258, A>G. VCF-style: chr9-130668258-A-G. GRCh37 (hg19) VCF-style: chr9-133543645-A-G.
Other names: short protein forms E172G.
Identifiers: ClinVar variation 1398178 (VCV001398178.8), dbSNP rs2132591436, ClinGen allele CA375247118.